The following is an entry in ClinVar:

ClinVar aggregate classification (germline): Uncertain significance (1 of 4 stars; one submission).

Conditions:
Neurodevelopmental disorder with speech impairment and with or without seizures. Also called: Neurodevelopmental disorder with variable intellectual disability and speech impairment, with or without seizures. Identifiers: MedGen C5774252, MONDO:0859313, OMIM 620114.

Submission:

Laboratorio de Genetica e Diagnostico Molecular, Hospital Israelita Albert Einstein
Classification: Uncertain significance for Neurodevelopmental disorder with speech impairment and with or without seizures. Last evaluated: 2025-04-04. Review status: criteria provided, single submitter. Criteria: ACMG Guidelines, 2015. Collection method: clinical testing. Allele origin: germline. Affected: yes.
Comment: ACMG classification criteria: PM2 supporting, BP4 supporting

NM_021096.4(CACNA1I):c.4540-11T>C

Gene: CACNA1I (calcium voltage-gated channel subunit alpha1 I; plus strand). Cytogenetic location: 22q13.1.
Variant type: single nucleotide variant.
Coding change: c.4540-11T>C on transcript NM_021096.4 (MANE Select); 11 bases into the intron before coding-DNA position 4540, T replaced by C.
Molecular consequence: intron variant.
Genome position (GRCh38, 1-based): chr22:39,672,188, T>C. VCF-style: chr22-39672188-T-C. GRCh37 (hg19) VCF-style: chr22-40068193-T-C.
Other names: c.4435-11T>C (NM_001003406.2).
Identifiers: ClinVar variation 3902034 (VCV003902034.1).
Genomic context (GRCh38, chr22:39,672,188, plus strand): 5'-CTTTCTGAGTGGAGGAAGGTTGTGGAGCAGGTCATGTGCCCTGGATCATGCTTCTCTTTG[T>C]TCCTCCATAGTCCCTGGAGACAGCCCTCAAGTACTGCAACTATATGTTCACCACTGTCTT-3'